The following is an entry in ClinVar:

NM_001330588.2(TPP2):c.1684T>A (p.Ser562Thr)

Gene: TPP2 (tripeptidyl peptidase 2; plus strand). Cytogenetic location: 13q33.1.
Variant type: single nucleotide variant.
Coding change: c.1684T>A on transcript NM_001330588.2 (MANE Select); coding-DNA position 1684, T replaced by A.
Protein change: p.Ser562Thr; replaces serine 562 with threonine.
Molecular consequence: missense variant. On other transcripts: non-coding transcript variant (1).
Genome position (GRCh38, 1-based): chr13:102,637,087, T>A. VCF-style: chr13-102637087-T-A. GRCh37 (hg19) VCF-style: chr13-103289437-T-A.
Other names: c.1684T>A, p.Ser562Thr (NM_001367947.1, NM_003291.4); short protein forms S562T.
Identifiers: ClinVar variation 1375306 (VCV001375306.6), dbSNP rs2139508771, ClinGen allele CA388488438.
Genomic context (GRCh38, chr13:102,637,087, plus strand): 5'-AATGGAAAAAAGGAAAAAAATACTCATCTTTAATTTTTGGTCTTTTTCGTGCCAGAAAAC[T>A]CTGAAAAAATATCCCTTCAGCTTCATTTAGCTCTGACTTCAAATTCATCTTGGGTTCAGT-3'
Protein context (NP_001317517.1, residues 552-572): EPVFPENTEN[Ser562Thr]EKISLQLHLA

ClinVar aggregate classification (germline): Uncertain significance (1 of 4 stars; one submission).

Conditions:
Evans syndrome, immunodeficiency, and premature immunosenescence associated with tripeptidyl-peptidase II deficiency. Identifiers: MedGen CN231723. Disease mechanism: loss of function.

Submission:

Labcorp Genetics (formerly Invitae), Labcorp
Classification: Uncertain significance for Evans syndrome, immunodeficiency, and premature immunosenescence associated with tripeptidyl-peptidase II deficiency. Last evaluated: 2021-08-15. Review status: criteria provided, single submitter. Criteria: Invitae Variant Classification Sherloc (09022015). Collection method: clinical testing. Allele origin: germline.
Comment: In summary, the available evidence is currently insufficient to determine the role of this variant in disease. Therefore, it has been classified as a Variant of Uncertain Significance. Algorithms developed to predict the effect of missense changes on protein structure and function (SIFT, PolyPhen-2, Align-GVGD) all suggest that this variant is likely to be tolerated. This variant has not been reported in the literature in individuals affected with TPP2-related conditions. This variant is not present in population databases (ExAC no frequency). This sequence change replaces serine with threonine at codon 562 of the TPP2 protein (p.Ser562Thr). The serine residue is moderately conserved and there is a small physicochemical difference between serine and threonine.